The following is an entry in ClinVar:

ClinVar aggregate classification (germline): Uncertain significance (1 of 4 stars; one submission).

Conditions:
Immunodeficiency. Identifiers: MedGen C0021051, MONDO:0021094, HP:0002721.

Allele frequency attached by ClinVar (database versions not stated): gnomAD exomes 0.00001.
gnomAD v4.1: 4 of 1,614,062 alleles (0.00025%); highest among the groups gnomAD compares: Admixed American, 0.0017%; no homozygotes.

Submission:

Labcorp Genetics (formerly Invitae), Labcorp
Classification: Uncertain significance for Immunodeficiency. Last evaluated: 2022-04-06. Review status: criteria provided, single submitter. Criteria: Invitae Variant Classification Sherloc (09022015). Collection method: clinical testing. Allele origin: germline.
Comment: In summary, the available evidence is currently insufficient to determine the role of this variant in disease. Therefore, it has been classified as a Variant of Uncertain Significance. Algorithms developed to predict the effect of missense changes on protein structure and function (SIFT, PolyPhen-2, Align-GVGD) all suggest that this variant is likely to be tolerated. This variant has not been reported in the literature in individuals affected with NFAT5-related conditions. This variant is not present in population databases (gnomAD no frequency). This sequence change replaces alanine, which is neutral and non-polar, with threonine, which is neutral and polar, at codon 1138 of the NFAT5 protein (p.Ala1138Thr).

NM_138713.4(NFAT5):c.3694G>A (p.Ala1232Thr)

Gene: NFAT5 (nuclear factor of activated T cells 5; plus strand). Cytogenetic location: 16q22.1.
Variant type: single nucleotide variant.
Coding change: c.3694G>A on transcript NM_138713.4 (MANE Select); coding-DNA position 3694, G replaced by A.
Protein change: p.Ala1232Thr; replaces alanine 1232 with threonine.
Molecular consequence: missense variant.
Genome position (GRCh38, 1-based): chr16:69,693,519, G>A. VCF-style: chr16-69693519-G-A. GRCh37 (hg19) VCF-style: chr16-69727422-G-A.
Other names: c.3691G>A, p.Ala1231Thr (NM_001113178.3); c.3019G>A, p.Ala1007Thr (NM_001367709.1); c.3640G>A, p.Ala1214Thr (NM_006599.4); c.3412G>A, p.Ala1138Thr (NM_138714.4, NM_173214.3, NM_173215.3); short protein forms A1231T, A1232T, A1007T, A1138T, A1214T.
Identifiers: ClinVar variation 2121995 (VCV002121995.4), dbSNP rs2544248611, ClinGen allele CA396513581.